The following is an entry in ClinVar:

NM_000368.5(TSC1):c.2455A>G (p.Asn819Asp)

Gene: TSC1 (TSC complex subunit 1; minus strand). Cytogenetic location: 9q34.13.
Variant type: single nucleotide variant.
Coding change: c.2455A>G on transcript NM_000368.5 (MANE Select); coding-DNA position 2455, A replaced by G.
Protein change: p.Asn819Asp; replaces asparagine 819 with aspartic acid.
Molecular consequence: missense variant. On other transcripts: non-coding transcript variant (5).
Genome position (GRCh38, 1-based): chr9:132,901,636, T>C on the plus strand (A>G on the coding strand, the complement: TSC1 is on the minus strand). VCF-style: chr9-132901636-T-C. GRCh37 (hg19) VCF-style: chr9-135777023-T-C.
Other names: c.2452A>G, p.Asn818Asp (NM_001162426.2, NM_001406608.1, NM_001406609.1 and 4 more transcripts); c.2302A>G, p.Asn768Asp (NM_001162427.2, NM_001406610.1); c.2092A>G, p.Asn698Asp (NM_001362177.2, NM_001406614.1, NM_001406615.1 and 5 more transcripts); c.2455A>G, p.Asn819Asp (NM_001406592.1, NM_001406593.1, NM_001406594.1 and 5 more transcripts); c.2299A>G, p.Asn767Asp (NM_001406611.1, NM_001406612.1, NM_001406613.1); c.2089A>G, p.Asn697Asp (NM_001406625.1, NM_001406620.1, NM_001406621.1 and 2 more transcripts); c.1504A>G, p.Asn502Asp (NM_001406626.1); c.1501A>G, p.Asn501Asp (NM_001406627.1, NM_001406628.1); and 3 more; short protein forms N501D, N502D, N698D, N818D, N819D, N767D, N813D, N697D.
Identifiers: ClinVar variation 2826599 (VCV002826599.3), dbSNP rs2538574446, ClinGen allele CA375358524.
Genomic context (GRCh38, chr9:132,901,636, plus strand): 5'-CATTTCTTCTTACCTTTTGGGAAACCTGACTGAGCAGCAGCTCAGTGTGACACACCTTGT[T>C]GTTGGCCTTCTTCAGTTCTATCCGCAGCTCCGCAATCATGTTCCTGCAGTCCTCCAGCTT-3'
Protein context (NP_000359.1, residues 809-829): ELRIELKKAN[Asn819Asp]KVCHTELLLS

ClinVar aggregate classification (germline): Uncertain significance (1 of 4 stars; one submission).

Conditions:
Tuberous sclerosis 1 (TSC1). Identifiers: Orphanet 805, MedGen C1854465, MONDO:0008612, OMIM 191100.

Submission:

Labcorp Genetics (formerly Invitae), Labcorp
Classification: Uncertain significance for Tuberous sclerosis 1. Last evaluated: 2023-01-06. Review status: criteria provided, single submitter. Criteria: Invitae Variant Classification Sherloc (09022015). Collection method: clinical testing. Allele origin: germline.
Comment: In summary, the available evidence is currently insufficient to determine the role of this variant in disease. Therefore, it has been classified as a Variant of Uncertain Significance. Advanced modeling of protein sequence and biophysical properties (such as structural, functional, and spatial information, amino acid conservation, physicochemical variation, residue mobility, and thermodynamic stability) performed at Invitae indicates that this missense variant is not expected to disrupt TSC1 protein function. This variant has not been reported in the literature in individuals affected with TSC1-related conditions. This variant is not present in population databases (gnomAD no frequency). This sequence change replaces asparagine, which is neutral and polar, with aspartic acid, which is acidic and polar, at codon 819 of the TSC1 protein (p.Asn819Asp).